The following is an entry in ClinVar:

NM_017534.6(MYH2):c.300T>C (p.Pro100=)

Genes: MYH2 (myosin heavy chain 2; minus strand), MYHAS (myosin heavy chain gene cluster antisense RNA; plus strand). Cytogenetic location: 17p13.1.
Variant type: single nucleotide variant.
Coding change: c.300T>C on transcript NM_017534.6 (MANE Select); coding-DNA position 300, T replaced by C.
Protein change: p.Pro100=; no amino-acid change (proline 100 retained).
Molecular consequence: synonymous variant.
Genome position (GRCh38, 1-based): chr17:10,547,523, A>G on the plus strand (T>C on the coding strand, the complement: MYH2 is on the minus strand). VCF-style: chr17-10547523-A-G. GRCh37 (hg19) VCF-style: chr17-10450840-A-G.
Other names: c.300T>C, p.Pro100= (NM_001100112.2).
Identifiers: ClinVar variation 3054722 (VCV003054722.2), dbSNP rs2508479231, ClinGen allele CA497867483.
Genomic context (GRCh38, chr17:10,547,523, plus strand): 5'-GGGGACACTCACGTAGATCATCCAGGCTGCATAACGTTCTTTGAGGTTGTACAGCACAGC[A>G]GGCTCATGCAGATGAGTCATCATGGCCATATCCTCGATCTTGTCATATTTGGGAGGGTTC-3'
Protein context (NP_060004.3, residues 90-110): DMAMMTHLHE[Pro100=]AVLYNLKERY

ClinVar aggregate classification (germline): Likely benign (0 of 4 stars; one submission).

Conditions:
MYH2-related disorder. Also called: MYH2-related condition.

Submission:

PreventionGenetics, part of Exact Sciences
Classification: Likely benign for MYH2-related condition. Last evaluated: 2022-07-07. Review status: no assertion criteria provided. Collection method: clinical testing. Allele origin: germline.
Comment: This variant is classified as likely benign based on ACMG/AMP sequence variant interpretation guidelines (Richards et al. 2015 PMID: 25741868, with internal and published modifications).